The following is an entry in ClinVar:

ClinVar aggregate classification (germline): Uncertain significance (1 of 4 stars; one submission).

Conditions:
Primary ciliary dyskinesia. Also called: Ciliary dyskinesia. Identifiers: Orphanet 244, MedGen C0008780, MONDO:0016575, HP:0012265.

Allele frequency attached by ClinVar (database versions not stated): gnomAD exomes below 0.00001.
gnomAD v4.1: 2 of 1,613,958 alleles (0.00012%); highest among the groups gnomAD compares: Non-Finnish European, 0.00017%; no homozygotes.

Submission:

Labcorp Genetics (formerly Invitae), Labcorp
Classification: Uncertain significance for Primary ciliary dyskinesia. Last evaluated: 2022-10-17. Review status: criteria provided, single submitter. Criteria: Invitae Variant Classification Sherloc (09022015). Collection method: clinical testing. Allele origin: germline.
Comment: This sequence change replaces proline, which is neutral and non-polar, with leucine, which is neutral and non-polar, at codon 4099 of the DNAH11 protein (p.Pro4099Leu). This variant is not present in population databases (gnomAD no frequency). This variant has not been reported in the literature in individuals affected with DNAH11-related conditions. Advanced modeling of protein sequence and biophysical properties (such as structural, functional, and spatial information, amino acid conservation, physicochemical variation, residue mobility, and thermodynamic stability) performed at Invitae indicates that this missense variant is not expected to disrupt DNAH11 protein function. In summary, the available evidence is currently insufficient to determine the role of this variant in disease. Therefore, it has been classified as a Variant of Uncertain Significance.

NM_001277115.2(DNAH11):c.12296C>T (p.Pro4099Leu)

Gene: DNAH11 (dynein axonemal heavy chain 11; plus strand). Cytogenetic location: 7p15.3.
Variant type: single nucleotide variant.
Coding change: c.12296C>T on transcript NM_001277115.2 (MANE Select); coding-DNA position 12296, C replaced by T.
Protein change: p.Pro4099Leu; replaces proline 4099 with leucine.
Molecular consequence: missense variant.
Genome position (GRCh38, 1-based): chr7:21,880,802, C>T. VCF-style: chr7-21880802-C-T. GRCh37 (hg19) VCF-style: chr7-21920420-C-T.
Other names: c.12317C>T, p.Pro4106Leu (NM_003777.3); short protein forms P4106L, P4099L.
Identifiers: ClinVar variation 2080543 (VCV002080543.1), dbSNP rs573509767, ClinGen allele CA366964062.